The following is an entry in ClinVar:

ClinVar aggregate classification (germline): Uncertain significance (1 of 4 stars; one submission).

Allele frequency attached by ClinVar (database versions not stated): gnomAD exomes below 0.00001; gnomAD 0.00001; TOPMed 0.00002.

Submission:

Ambry Genetics
Classification: Uncertain significance. Last evaluated: 2024-12-20. Review status: criteria provided, single submitter. Criteria: Ambry Variant Classification Scheme 2023. Collection method: clinical testing. Allele origin: germline.
Comment: The p.S53R variant (also known as c.159C>A), located in coding exon 1 of the KCNE5 gene, results from a C to A substitution at nucleotide position 159. The serine at codon 53 is replaced by arginine, an amino acid with dissimilar properties. This amino acid position is conserved. In addition, this alteration is predicted to be tolerated by in silico analysis. Since supporting evidence is limited at this time, the clinical significance of this alteration remains unclear.

NM_012282.4(KCNE5):c.159C>A (p.Ser53Arg)

Gene: KCNE5 (potassium voltage-gated channel subfamily E regulatory subunit 5; minus strand). Cytogenetic location: Xq23.
Variant type: single nucleotide variant.
Coding change: c.159C>A on transcript NM_012282.4 (MANE Select); coding-DNA position 159, C replaced by A.
Protein change: p.Ser53Arg; replaces serine 53 with arginine.
Molecular consequence: missense variant.
Genome position (GRCh38, 1-based): chrX:109,624,862, G>T on the plus strand (C>A on the coding strand, the complement: KCNE5 is on the minus strand). VCF-style: chrX-109624862-G-T. GRCh37 (hg19) VCF-style: chrX-108868091-G-T.
Other names: short protein forms S53R.
Identifiers: ClinVar variation 1776079 (VCV001776079.3), dbSNP rs745810452, ClinGen allele CA10490878.